The following is an entry in ClinVar:

NM_032444.4(SLX4):c.4636A>G (p.Lys1546Glu)

Gene: SLX4 (SLX4 structure-specific endonuclease subunit; minus strand). Cytogenetic location: 16p13.3.
Variant type: single nucleotide variant.
Coding change: c.4636A>G on transcript NM_032444.4 (MANE Select); coding-DNA position 4636, A replaced by G.
Protein change: p.Lys1546Glu; replaces lysine 1546 with glutamic acid.
Molecular consequence: missense variant.
Genome position (GRCh38, 1-based): chr16:3,589,002, T>C on the plus strand (A>G on the coding strand, the complement: SLX4 is on the minus strand). VCF-style: chr16-3589002-T-C. GRCh37 (hg19) VCF-style: chr16-3639003-T-C.
Other names: short protein forms K1546E.
Identifiers: ClinVar variation 2884901 (VCV002884901.3), dbSNP rs1413680204, ClinGen allele CA394516731.
Genomic context (GRCh38, chr16:3,589,002, plus strand): 5'-CCTCTTAGTGTAAAATAGTAACAAAGACAGTCCCCTTCCCCAGCTCTCCTGGCTACTCAC[T>C]GGGTGTCTCTAACCCTTCGGGCTTCTGAGCTCCACCAGCGCTTGGCATCTGGGCCGGAGG-3'
Protein context (NP_115820.2, residues 1536-1556): AQKPEGLETP[Lys1546Glu]GANRKKNLPP

ClinVar aggregate classification (germline): Uncertain significance (1 of 4 stars; one submission).

Conditions:
Fanconi anemia (FA). Also called: Fanconi's anemia. Identifiers: Orphanet 84, MedGen C0015625, MeSH D005199, MONDO:0019391.

Allele frequency attached by ClinVar (database versions not stated): gnomAD exomes below 0.00001.
gnomAD v4.1: 1 of 1,614,044 alleles (0.000062%); highest among the groups gnomAD compares: Admixed American, 0.0017%; no homozygotes.

Submission:

Labcorp Genetics (formerly Invitae), Labcorp
Classification: Uncertain significance for Fanconi anemia. Last evaluated: 2023-08-24. Review status: criteria provided, single submitter. Criteria: Invitae Variant Classification Sherloc (09022015). Collection method: clinical testing. Allele origin: germline.
Comment: In summary, the available evidence is currently insufficient to determine the role of this variant in disease. Therefore, it has been classified as a Variant of Uncertain Significance. Algorithms developed to predict the effect of sequence changes on RNA splicing suggest that this variant may create or strengthen a splice site. Algorithms developed to predict the effect of missense changes on protein structure and function output the following: SIFT: "Not Available"; PolyPhen-2: "Benign"; Align-GVGD: "Not Available". The glutamic acid amino acid residue is found in multiple mammalian species, which suggests that this missense change does not adversely affect protein function. This variant has not been reported in the literature in individuals affected with SLX4-related conditions. This variant is present in population databases (no rsID available, gnomAD 0.003%). This sequence change replaces lysine, which is basic and polar, with glutamic acid, which is acidic and polar, at codon 1546 of the SLX4 protein (p.Lys1546Glu).